The following is an entry in ClinVar:

NM_001303.4(COX10):c.425G>A (p.Arg142Gln)

Gene: COX10 (cytochrome c oxidase assembly factor heme A:farnesyltransferase COX10; plus strand). Cytogenetic location: 17p12.
Variant type: single nucleotide variant.
Coding change: c.425G>A on transcript NM_001303.4 (MANE Select); coding-DNA position 425, G replaced by A.
Protein change: p.Arg142Gln; replaces arginine 142 with glutamine.
Molecular consequence: missense variant.
Genome position (GRCh38, 1-based): chr17:14,076,982, G>A. VCF-style: chr17-14076982-G-A. GRCh37 (hg19) VCF-style: chr17-13980299-G-A.
Other names: short protein forms R142Q.
Identifiers: ClinVar variation 379670 (VCV000379670.3), dbSNP rs749298341, ClinGen allele CA8402310.

ClinVar aggregate classification (germline): Likely benign (1 of 4 stars; one submission).

Allele frequency attached by ClinVar (database versions not stated): ExAC 0.00001; gnomAD 0.00001; gnomAD exomes 0.00002; TOPMed 0.00003.
gnomAD v4.1: 21 of 1,613,946 alleles (0.0013%); highest among the groups gnomAD compares: African/African-American, 0.004%; no homozygotes.

Submissions (2):

GeneDx
Classification: Likely benign. Last evaluated: 2015-05-15. Review status: criteria provided, single submitter. Criteria: GeneDx Variant Classification (06012015). Collection method: clinical testing. Allele origin: germline. Affected: yes.
Comment: This variant is considered likely benign or benign based on one or more of the following criteria: it is a conservative change, it occurs at a poorly conserved position in the protein, it is predicted to be benign by multiple in silico algorithms, and/or has population frequency not consistent with disease.

Johnston Lab, North Central College
No classification provided (evidence only). Review status: no classification provided. Collection method: in vitro. Allele origin: not applicable. Functional consequence: functionally_normal. Not counted in ClinVar's aggregate classification.
ClinVar note: "not provided" was previously submitted as the classification for the variant. However, the classification appeared to be based only on an observation of functional data so it was converted to no classification on 2025-07-30.